The following is an entry in ClinVar:

ClinVar aggregate classification (germline): Uncertain significance (1 of 4 stars; one submission).

Allele frequency attached by ClinVar (database versions not stated): TOPMed 0.00001; ExAC 0.00002; gnomAD exomes 0.00003.
gnomAD v4.1: 39 of 1,614,092 alleles (0.0024%); highest among the groups gnomAD compares: Non-Finnish European, 0.0032%; no homozygotes.

Submission:

Labcorp Genetics (formerly Invitae), Labcorp
Classification: Uncertain significance. Last evaluated: 2023-04-14. Review status: criteria provided, single submitter. Criteria: Invitae Variant Classification Sherloc (09022015). Collection method: clinical testing. Allele origin: germline.
Comment: In summary, the available evidence is currently insufficient to determine the role of this variant in disease. Therefore, it has been classified as a Variant of Uncertain Significance. Advanced modeling of protein sequence and biophysical properties (such as structural, functional, and spatial information, amino acid conservation, physicochemical variation, residue mobility, and thermodynamic stability) performed at Invitae indicates that this missense variant is not expected to disrupt ALPK1 protein function. This variant has not been reported in the literature in individuals affected with ALPK1-related conditions. This variant is present in population databases (rs778825122, gnomAD 0.003%). This sequence change replaces valine, which is neutral and non-polar, with alanine, which is neutral and non-polar, at codon 364 of the ALPK1 protein (p.Val364Ala).

NM_025144.4(ALPK1):c.1091T>C (p.Val364Ala)

Gene: ALPK1 (alpha kinase 1; plus strand). Cytogenetic location: 4q25.
Variant type: single nucleotide variant.
Coding change: c.1091T>C on transcript NM_025144.4 (MANE Select); coding-DNA position 1091, T replaced by C.
Protein change: p.Val364Ala; replaces valine 364 with alanine.
Molecular consequence: missense variant.
Genome position (GRCh38, 1-based): chr4:112,430,638, T>C. VCF-style: chr4-112430638-T-C. GRCh37 (hg19) VCF-style: chr4-113351794-T-C.
Other names: c.1091T>C, p.Val364Ala (NM_001102406.2); c.857T>C, p.Val286Ala (NM_001253884.2); short protein forms V364A, V286A.
Identifiers: ClinVar variation 2712996 (VCV002712996.3), dbSNP rs778825122, ClinGen allele CA3046662.